The following is an entry in ClinVar:

ClinVar aggregate classification (germline): Pathogenic (1 of 4 stars; one submission).

Submission:

GeneDx
Classification: Pathogenic. Last evaluated: 2015-09-18. Review status: criteria provided, single submitter. Criteria: GeneDx Variant Classification (06012015). Collection method: clinical testing. Allele origin: germline. Affected: yes.
Comment: The c.606delG deletion in the PTCH1 gene causes a frameshift starting with codon Leucine 202, changes this amino acid to a Phenylalanine residue and creates a premature Stop codon at position 18 of the new reading frame, denoted p.Leu202PhefsX18. This deletion is predicted to cause loss of normal protein function either through protein truncation or nonsense-mediated mRNA decay. Although this variant has not been previously reported to our knowledge, other frameshift variants have been reported in the PTCH1 gene in association with Gorlin syndrome (Stenson et al., 2014). Therefore, we consider c.606delG to be a pathogenic variant.

NM_000264.5(PTCH1):c.606del (p.Leu202fs)

Gene: PTCH1 (patched 1; minus strand). Cytogenetic location: 9q22.32.
Variant type: Deletion.
Coding change: c.606del on transcript NM_000264.5 (MANE Select); coding-DNA position 606, one base deleted (G; older notation c.606delG).
Protein change: p.Leu202fs; shifts the reading frame from leucine 202.
Molecular consequence: frameshift variant. On other transcripts: non-coding transcript variant (1).
Genome position (GRCh38, 1-based): chr9:95,482,182, C deleted on the plus strand (G on the coding strand, the reverse complement: PTCH1 is on the minus strand). VCF-style (leftmost placement, unchanged base first): chr9-95482181-AC-A. GRCh37 (hg19) VCF-style: chr9-98244463-AC-A.
Other names: c.408del, p.Leu136fs (NM_001083602.3, NM_001354919.2); c.603del, p.Leu201fs (NM_001083603.3); c.153del, p.Leu51fs (NM_001083604.3, NM_001083605.3, NM_001083606.3 and 1 more transcripts); c.606del, p.Leu202fs (NM_001354918.2); short protein forms L136fs, L51fs, L201fs, L202fs.
Identifiers: ClinVar variation 419804 (VCV000419804.2), dbSNP rs1064794117, ClinGen allele CA16618912.